The following is an entry in ClinVar:

NM_000104.4(CYP1B1):c.841G>T (p.Glu281Ter)

Gene: CYP1B1 (cytochrome P450 family 1 subfamily B member 1; minus strand). Cytogenetic location: 2p22.2.
Variant type: single nucleotide variant.
Coding change: c.841G>T on transcript NM_000104.4 (MANE Select); coding-DNA position 841, G replaced by T.
Protein change: p.Glu281Ter; replaces glutamic acid 281 with a stop codon.
Molecular consequence: nonsense.
Genome position (GRCh38, 1-based): chr2:38,074,548, C>A on the plus strand (G>T on the coding strand, the complement: CYP1B1 is on the minus strand). VCF-style: chr2-38074548-C-A. GRCh37 (hg19) VCF-style: chr2-38301691-C-A.
Other names: NM_000104.4:c.841G>T; short protein forms E281*.
Identifiers: ClinVar variation 5037940 (VCV005037940.1).
Genomic context (GRCh38, chr2:38,074,548, plus strand): 5'-CCGCAGAGAGGATAAAGGCGTCCATCATGTCGCGGGGGGCGGCCCCGGGCCGAAGGCTTT[C>A]GCAGTGCCTCAAGAACTTGTCCAGGATGAAGTTGCTGAAGTTGCGGTTGAGCTGCTCGAA-3'

ClinVar aggregate classification (germline): Pathogenic (3 of 4 stars; one submission).

Conditions:
CYP1B1-related glaucoma with or without anterior segment dysgenesis. Identifiers: MedGen CN375931, MONDO:0800472.

Submission:

ClinGen Glaucoma Variant Curation Expert Panel
Classification: Pathogenic for CYP1B1-related glaucoma with or without anterior segment dysgenesis. Last evaluated: 2026-10-27. Review status: reviewed by expert panel. Criteria: ClinGen Glaucoma ACMG Specifications CYP1B1 V2.0. Collection method: curation. Allele origin: germline. Inheritance: Autosomal recessive inheritance.
Comment: The c.841G>T variant in CYP1B1 is predicted to cause a change in the length of the protein due to the insertion of a terminating codon instead of the usual Glutamic Acid at amino acid 281 (p.Glu281Ter). This nonsense variant was predicted to undergo NMD, meeting PVS1. This variant was not found in any genetic ancestry group of gnomAD (v4.1), meeting the ≤ 0.0005 threshold set for PM2_Supporting in a genetic ancestry group of at least 2,000 alleles. There was no functional evidence predicting a damaging or benign impact of this variant on CYP1B1 function. 2 affected segregations with a CYP1B1-related phenotype have been reported (PMID: 9497261), which fulfilled PP1_Moderate. This variant has been identified in an individual with a CYP1B1-related phenotype. This individual is compound heterozygous for the variant and a pathogenic variant (confirmed in trans) (PMID: 9497261). Total proband points = 1, meeting PM3. In summary, this variant met the criteria to receive a score of 13 and to be classified as pathogenic (pathogenic classification ≥ 10, adapted from PMID: 32720330) for CYP1B1-related glaucoma with or without anterior segment dysgenesis (ASD) based on the ACMG/AMP criteria met, as specified by the ClinGen Glaucoma VCEP (v2.0, 16.07.2026): PVS1, PM3, PP1_Moderate, PM2_Supporting